The following is an entry in ClinVar:

NM_006258.4(PRKG1):c.1173+214C>A

Gene: PRKG1 (protein kinase cGMP-dependent 1; plus strand). Cytogenetic location: 10q21.1.
Variant type: single nucleotide variant.
Coding change: c.1173+214C>A on transcript NM_006258.4 (MANE Select); 214 bases into the intron after coding-DNA position 1173, C replaced by A.
Molecular consequence: intron variant.
Genome position (GRCh38, 1-based): chr10:52,251,880, C>A. VCF-style: chr10-52251880-C-A. GRCh37 (hg19) VCF-style: chr10-54011640-C-A.
Other names: c.1128+214C>A (NM_001098512.3).
Identifiers: ClinVar variation 674905 (VCV000674905.2), dbSNP rs79543394, ClinGen allele CA207397676.
Genomic context (GRCh38, chr10:52,251,880, plus strand): 5'-TCATAATTAGACACAAAGTGGGCTAAATTATGCAGTCAACGACTAAAAATAAAATAACAC[C>A]TTGCTTTTTAGAAAACCTCTTCATATTAAGTGTAAGGTAAACACATTTACTTAAAGAAGA-3'

ClinVar aggregate classification (germline): Benign. Review status: criteria provided, multiple submitters, no conflicts (2 of 4 stars). 2 submissions from 2 submitters: Benign (2). Last evaluated 2018-06-14.

Allele frequency attached by ClinVar (database versions not stated): gnomAD 0.03148; TOPMed 0.04402; gnomAD exomes 0.05553; 1000 Genomes Project 30x 0.09900; 1000 Genomes Project 0.10763.
gnomAD v4.1: 22,050 of 450,472 alleles (4.9%); highest among the groups gnomAD compares: East Asian, 38%; 2,545 homozygotes.

Submissions (2):

GeneDx
Classification: Benign. Last evaluated: 2018-06-14. Review status: criteria provided, single submitter. Criteria: GeneDx Variant Classification (06012015). Collection method: clinical testing. Allele origin: germline. Affected: yes.
Comment: This variant is considered likely benign or benign based on one or more of the following criteria: it is a conservative change, it occurs at a poorly conserved position in the protein, it is predicted to be benign by multiple in silico algorithms, and/or has population frequency not consistent with disease.

Breakthrough Genomics
Classification: Benign. Review status: criteria provided, single submitter. Criteria: ACMG Guidelines, 2015. Collection method: not provided. Allele origin: germline. Inheritance: Autosomal dominant inheritance. Affected: yes.